The following is an entry in ClinVar:

NM_006904.7(PRKDC):c.8982G>C (p.Trp2994Cys)

Gene: PRKDC (protein kinase, DNA-activated, catalytic subunit; minus strand). Cytogenetic location: 8q11.21.
Variant type: single nucleotide variant.
Coding change: c.8982G>C on transcript NM_006904.7 (MANE Select); coding-DNA position 8982, G replaced by C.
Protein change: p.Trp2994Cys; replaces tryptophan 2994 with cysteine.
Molecular consequence: missense variant.
Genome position (GRCh38, 1-based): chr8:47,821,733, C>G on the plus strand (G>C on the coding strand, the complement: PRKDC is on the minus strand). VCF-style: chr8-47821733-C-G. GRCh37 (hg19) VCF-style: chr8-48734294-C-G.
Other names: c.8982G>C, p.Trp2994Cys (NM_001081640.2); short protein forms W2994C.
Identifiers: ClinVar variation 1765328 (VCV001765328.2), dbSNP rs2551865588, ClinGen allele CA371140902.

ClinVar aggregate classification (germline): Uncertain significance (1 of 4 stars; one submission).

Submission:

Ambry Genetics
Classification: Uncertain significance. Last evaluated: 2021-11-22. Review status: criteria provided, single submitter. Criteria: Ambry Variant Classification Scheme 2023. Collection method: clinical testing. Allele origin: germline.
Comment: The p.W2994C variant (also known as c.8982G>C), located in coding exon 65 of the PRKDC gene, results from a G to C substitution at nucleotide position 8982. The tryptophan at codon 2994 is replaced by cysteine, an amino acid with highly dissimilar properties. This amino acid position is conserved. In addition, this alteration is predicted to be deleterious by in silico analysis. Since supporting evidence is limited at this time, the clinical significance of this alteration remains unclear.